The following is an entry in ClinVar:

ClinVar aggregate classification (germline): Uncertain significance (1 of 4 stars; one submission).

Conditions:
Cardiovascular phenotype. Identifiers: MedGen CN230736.

gnomAD v4.1: 4 of 1,614,028 alleles (0.00025%); highest among the groups gnomAD compares: Non-Finnish European, 0.00034%; no homozygotes.

Submission:

Ambry Genetics
Classification: Uncertain significance for Cardiovascular phenotype. Last evaluated: 2025-04-23. Review status: criteria provided, single submitter. Criteria: Ambry Variant Classification Scheme 2023. Collection method: clinical testing. Allele origin: germline.
Comment: The p.L2653F variant (also known as c.7957C>T), located in coding exon 26 of the APOB gene, results from a C to T substitution at nucleotide position 7957. The leucine at codon 2653 is replaced by phenylalanine, an amino acid with highly similar properties. This amino acid position is conserved. In addition, this alteration is predicted to be tolerated by in silico analysis. Based on the available evidence, the clinical significance of this variant remains unclear.

NM_000384.3(APOB):c.7957C>T (p.Leu2653Phe)

Gene: APOB (apolipoprotein B; minus strand). Cytogenetic location: 2p24.1.
Variant type: single nucleotide variant.
Coding change: c.7957C>T on transcript NM_000384.3 (MANE Select); coding-DNA position 7957, C replaced by T.
Protein change: p.Leu2653Phe; replaces leucine 2653 with phenylalanine.
Molecular consequence: missense variant.
Genome position (GRCh38, 1-based): chr2:21,008,911, G>A on the plus strand (C>T on the coding strand, the complement: APOB is on the minus strand). VCF-style: chr2-21008911-G-A. GRCh37 (hg19) VCF-style: chr2-21231783-G-A.
Other names: short protein forms L2653F.
Identifiers: ClinVar variation 3932883 (VCV003932883.1).